The following is an entry in ClinVar:

ClinVar aggregate classification (germline): Uncertain significance (1 of 4 stars; one submission).

gnomAD v4.1: 1 of 1,614,008 alleles (0.000062%); highest among the groups gnomAD compares: Non-Finnish European, 0.000085%; no homozygotes.

Submission:

Labcorp Genetics (formerly Invitae), Labcorp
Classification: Uncertain significance. Last evaluated: 2022-01-27. Review status: criteria provided, single submitter. Criteria: Invitae Variant Classification Sherloc (09022015). Collection method: clinical testing. Allele origin: germline.
Comment: In summary, the available evidence is currently insufficient to determine the role of this variant in disease. Therefore, it has been classified as a Variant of Uncertain Significance. This sequence change replaces arginine, which is basic and polar, with glycine, which is neutral and non-polar, at codon 338 of the FAM161A protein (p.Arg338Gly). This variant is not present in population databases (gnomAD no frequency). This variant has not been reported in the literature in individuals affected with FAM161A-related conditions. Algorithms developed to predict the effect of missense changes on protein structure and function (SIFT, PolyPhen-2, Align-GVGD) all suggest that this variant is likely to be disruptive.

NM_001201543.2(FAM161A):c.1012C>G (p.Arg338Gly)

Gene: FAM161A (FAM161 centrosomal protein A; minus strand). Cytogenetic location: 2p15.
Variant type: single nucleotide variant.
Coding change: c.1012C>G on transcript NM_001201543.2 (MANE Select); coding-DNA position 1012, C replaced by G.
Protein change: p.Arg338Gly; replaces arginine 338 with glycine.
Molecular consequence: missense variant. On other transcripts: non-coding transcript variant (1).
Genome position (GRCh38, 1-based): chr2:61,839,992, G>C on the plus strand (C>G on the coding strand, the complement: FAM161A is on the minus strand). VCF-style: chr2-61839992-G-C. GRCh37 (hg19) VCF-style: chr2-62067127-G-C.
Other names: c.1012C>G, p.Arg338Gly (NM_032180.3); short protein forms R338G.
Identifiers: ClinVar variation 1933063 (VCV001933063.5), dbSNP rs1382874045, ClinGen allele CA346987626.
Genomic context (GRCh38, chr2:61,839,992, plus strand): 5'-TGGCTTTAAATCGATTTGTTTTCTTTTTATACTTAAGAAAGTCTCTCAGCTGCTTTTCCC[G>C]GGCTGCTCGCTTCTGTTCCTCCCTTGCTATAAATTTAAATGGCTTTTGTGAGGCCAAAAG-3'
Protein context (NP_001188472.1, residues 328-348): IAREEQKRAA[Arg338Gly]EKQLRDFLKY